The following is an entry in ClinVar:

NM_000782.5(CYP24A1):c.296T>C (p.Met99Thr)

Gene: CYP24A1 (cytochrome P450 family 24 subfamily A member 1; minus strand). Cytogenetic location: 20q13.2.
Variant type: single nucleotide variant.
Coding change: c.296T>C on transcript NM_000782.5 (MANE Select); coding-DNA position 296, T replaced by C.
Protein change: p.Met99Thr; replaces methionine 99 with threonine.
Molecular consequence: missense variant.
Genome position (GRCh38, 1-based): chr20:54,173,062, A>G on the plus strand (T>C on the coding strand, the complement: CYP24A1 is on the minus strand). VCF-style: chr20-54173062-A-G. GRCh37 (hg19) VCF-style: chr20-52789601-A-G.
Other names: c.296T>C, p.Met99Thr (NM_001128915.2); short protein forms M99T.
Identifiers: ClinVar variation 897021 (VCV000897021.12), dbSNP rs748676671, ClinGen allele CA9916216.

ClinVar aggregate classification (germline): Conflicting classifications of pathogenicity. Review status: criteria provided, conflicting classifications (1 of 4 stars). 5 submissions from 5 submitters: Uncertain significance (4); Likely benign (1). Last evaluated 2026-06-24.

Conditions:
Inborn genetic diseases. Identifiers: MedGen C0950123, MeSH D030342.
Hypercalcemia, infantile, 1 (HCINF1). Identifiers: Orphanet 300547, MedGen CN031131, MONDO:0020739, OMIM 143880.
CYP24A1-related disorder. Also called: CYP24A1-related condition.

Allele frequency attached by ClinVar (database versions not stated): gnomAD 0.00006 and 0.00007; TOPMed 0.00006; ExAC 0.00007.
gnomAD v4.1: 173 of 1,606,414 alleles (0.011%); highest among the groups gnomAD compares: Middle Eastern, 0.033%; no homozygotes.

Submissions (5):

PreventionGenetics, part of Exact Sciences
Classification: Uncertain significance for CYP24A1-related condition. Last evaluated: 2026-06-24. Review status: criteria provided, single submitter. Criteria: ACMG Guidelines, 2015. Collection method: clinical testing. Allele origin: germline.
Comment: The CYP24A1 c.296T>C variant is predicted to result in the amino acid substitution p.Met99Thr. To our knowledge, this variant has not been reported in the literature. This variant is reported in 0.016% of alleles in individuals of European (Non-Finnish) descent in gnomAD. At this time, the clinical significance of this variant is uncertain due to the absence of conclusive functional and genetic evidence.

Labcorp Genetics (formerly Invitae), Labcorp
Classification: Likely benign. Last evaluated: 2025-12-27. Review status: criteria provided, single submitter. Criteria: Invitae Variant Classification Sherloc (09022015). Collection method: clinical testing. Allele origin: germline.

Ambry Genetics
Classification: Uncertain significance for Inborn genetic diseases. Last evaluated: 2025-07-15. Review status: criteria provided, single submitter. Criteria: Ambry Variant Classification Scheme 2023. Collection method: clinical testing. Allele origin: germline.

Fulgent Genetics
Classification: Uncertain significance for Hypercalcemia, infantile, 1. Last evaluated: 2021-09-13. Review status: criteria provided, single submitter. Criteria: ACMG Guidelines, 2015. Collection method: clinical testing. Allele origin: unknown.

Illumina Laboratory Services, Illumina
Classification: Uncertain significance for Hypercalcemia, infantile, 1. Last evaluated: 2017-04-28. Review status: criteria provided, single submitter. Criteria: ICSL Variant Classification Criteria 13 December 2019. Collection method: clinical testing. Allele origin: germline.